The following is an entry in ClinVar:

NM_001184880.2(PCDH19):c.1296G>A (p.Met432Ile)

Gene: PCDH19 (protocadherin 19; minus strand). Cytogenetic location: Xq22.1.
Variant type: single nucleotide variant.
Coding change: c.1296G>A on transcript NM_001184880.2 (MANE Select); coding-DNA position 1296, G replaced by A.
Protein change: p.Met432Ile; replaces methionine 432 with isoleucine.
Molecular consequence: missense variant.
Genome position (GRCh38, 1-based): chrX:100,407,302, C>T on the plus strand (G>A on the coding strand, the complement: PCDH19 is on the minus strand). VCF-style: chrX-100407302-C-T. GRCh37 (hg19) VCF-style: chrX-99662300-C-T.
Other names: c.1296G>A, p.Met432Ile (NM_001105243.2, NM_020766.3); short protein forms M432I.
Identifiers: ClinVar variation 3636298 (VCV003636298.2).

ClinVar aggregate classification (germline): Uncertain significance (1 of 4 stars; one submission).

Conditions:
Developmental and epileptic encephalopathy, 9 (DEE9). Also called: Early infantile epileptic encephalopathy 9; EPILEPSY, FEMALE-RESTRICTED, WITH MENTAL RETARDATION; PCDH19-Related X-Linked Female-Limited Epilepsy with Mental Retardation; JUBERG-HELLMAN SYNDROME. Identifiers: Orphanet 101039, Orphanet 2076, MedGen C1848137, MONDO:0010246, OMIM 300088. Disease mechanism: loss of function.

Submission:

Labcorp Genetics (formerly Invitae), Labcorp
Classification: Uncertain significance for Developmental and epileptic encephalopathy, 9. Last evaluated: 2024-05-21. Review status: criteria provided, single submitter. Criteria: Invitae Variant Classification Sherloc (09022015). Collection method: clinical testing. Allele origin: germline.
Comment: This sequence change replaces methionine, which is neutral and non-polar, with isoleucine, which is neutral and non-polar, at codon 432 of the PCDH19 protein (p.Met432Ile). This variant is not present in population databases (gnomAD no frequency). This variant has not been reported in the literature in individuals affected with PCDH19-related conditions. Advanced modeling of protein sequence and biophysical properties (such as structural, functional, and spatial information, amino acid conservation, physicochemical variation, residue mobility, and thermodynamic stability) performed at Invitae indicates that this missense variant is not expected to disrupt PCDH19 protein function with a negative predictive value of 95%. In summary, the available evidence is currently insufficient to determine the role of this variant in disease. Therefore, it has been classified as a Variant of Uncertain Significance.